The following is an entry in ClinVar:

NM_000038.6(APC):c.5690A>G (p.His1897Arg)

Gene: APC (APC regulator of Wnt signaling pathway; plus strand). Cytogenetic location: 5q22.2.
Variant type: single nucleotide variant.
Coding change: c.5690A>G on transcript NM_000038.6 (MANE Select); coding-DNA position 5690, A replaced by G.
Protein change: p.His1897Arg; replaces histidine 1897 with arginine.
Molecular consequence: missense variant.
Genome position (GRCh38, 1-based): chr5:112,841,284, A>G. VCF-style: chr5-112841284-A-G. GRCh37 (hg19) VCF-style: chr5-112176981-A-G.
Other names: c.5690A>G, p.His1897Arg (NM_001127510.3, NM_001354895.2); c.5636A>G, p.His1879Arg (NM_001127511.3); c.5744A>G, p.His1915Arg (NM_001354896.2); c.5720A>G, p.His1907Arg (NM_001354897.2); c.5615A>G, p.His1872Arg (NM_001354898.2); c.5606A>G, p.His1869Arg (NM_001354899.2); c.5567A>G, p.His1856Arg (NM_001354900.2); c.5513A>G, p.His1838Arg (NM_001354901.2); and 5 more; short protein forms H1796R, H1806R, H1872R, H1614R, H1771R, H1838R, H1915R, H1737R.
Identifiers: ClinVar variation 648189 (VCV000648189.11), dbSNP rs112610898, ClinGen allele CA16033789.

ClinVar aggregate classification (germline): Uncertain significance. Review status: criteria provided, multiple submitters, no conflicts (2 of 4 stars). 3 submissions from 3 submitters: Uncertain significance (3). Last evaluated 2026-04-27.

Conditions:
Hereditary cancer-predisposing syndrome. Also called: Tumor predisposition; Hereditary Cancer Syndrome; Neoplastic Syndromes, Hereditary; Hereditary neoplastic syndrome. Identifiers: Orphanet 140162, MedGen C0027672, MeSH D009386, MONDO:0015356.
Familial adenomatous polyposis 1 (FAP1). Also called: FAMILIAL ADENOMATOUS POLYPOSIS 1, ATTENUATED; POLYPOSIS, ADENOMATOUS INTESTINAL. Identifiers: MedGen C2713442, MONDO:0021056, OMIM 175100. Disease mechanism: loss of function.

Submissions (3):

Ambry Genetics
Classification: Uncertain significance for Hereditary cancer-predisposing syndrome. Last evaluated: 2026-04-27. Review status: criteria provided, single submitter. Criteria: Ambry Variant Classification Scheme 2023. Collection method: clinical testing. Allele origin: germline.
Comment: The p.H1897R variant (also known as c.5690A>G), located in coding exon 15 of the APC gene, results from an A to G substitution at nucleotide position 5690. The histidine at codon 1897 is replaced by arginine, an amino acid with highly similar properties. This amino acid position is conserved. In addition, in silico predictors for this gene do not accurately predict pathogenicity. Based on the available evidence, the clinical significance of this variant remains unclear.

Labcorp Genetics (formerly Invitae), Labcorp
Classification: Uncertain significance for Familial adenomatous polyposis 1. Last evaluated: 2023-04-27. Review status: criteria provided, single submitter. Criteria: Invitae Variant Classification Sherloc (09022015). Collection method: clinical testing. Allele origin: germline.
Comment: In summary, the available evidence is currently insufficient to determine the role of this variant in disease. Therefore, it has been classified as a Variant of Uncertain Significance. Advanced modeling of protein sequence and biophysical properties (such as structural, functional, and spatial information, amino acid conservation, physicochemical variation, residue mobility, and thermodynamic stability) performed at Invitae indicates that this missense variant is not expected to disrupt APC protein function. ClinVar contains an entry for this variant (Variation ID: 648189). This variant has not been reported in the literature in individuals affected with APC-related conditions. This variant is not present in population databases (gnomAD no frequency). This sequence change replaces histidine, which is basic and polar, with arginine, which is basic and polar, at codon 1897 of the APC protein (p.His1897Arg).

Sema4
Classification: Uncertain significance for Hereditary cancer-predisposing syndrome. Last evaluated: 2022-03-18. Review status: criteria provided, single submitter. Criteria: Sema4 Curation Guidelines. Collection method: curation. Allele origin: germline.
Comment: The APC c.5690A>G (p.H1897R) variant has not been reported in the literature to our knowledge. This variant is not reported in the population database Genome Aggregation Database (PMID: 32461654). The variant has been reported in ClinVar (Variation ID: 648189). Functional studies have not been performed, and in silico predictions of the variant's effect on protein function are inconclusive. The evidence is insufficient to meet ACMG/AMP criteria for classifying the variant as benign or pathogenic. Thus, the clinical significance of this variant is currently uncertain.